The following is an entry in ClinVar:

NM_000238.4(KCNH2):c.959C>A (p.Ser320Ter)

Gene: KCNH2 (potassium voltage-gated channel subfamily H member 2; minus strand). Cytogenetic location: 7q36.1.
Variant type: single nucleotide variant.
Coding change: c.959C>A on transcript NM_000238.4 (MANE Select); coding-DNA position 959, C replaced by A.
Protein change: p.Ser320Ter; replaces serine 320 with a stop codon.
Molecular consequence: nonsense.
Genome position (GRCh38, 1-based): chr7:150,957,460, G>T on the plus strand (C>A on the coding strand, the complement: KCNH2 is on the minus strand). VCF-style: chr7-150957460-G-T. GRCh37 (hg19) VCF-style: chr7-150654548-G-T.
Other names: c.671C>A, p.Ser224Ter (NM_001406753.1, NM_001406756.1); c.782C>A, p.Ser261Ter (NM_001406755.1); c.659C>A, p.Ser220Ter (NM_001406757.1); c.959C>A, p.Ser320Ter (NM_172056.3); short protein forms S320*, S261*, S220*, S224*.
Identifiers: ClinVar variation 1215035 (VCV001215035.5), dbSNP rs199472886, ClinGen allele CA369861814.

ClinVar aggregate classification (germline): Likely pathogenic (1 of 4 stars; one submission).

Submission:

GeneDx
Classification: Likely pathogenic. Last evaluated: 2021-05-14. Review status: criteria provided, single submitter. Criteria: GeneDx Variant Classification Process June 2021. Collection method: clinical testing. Allele origin: germline. Affected: yes.
Comment: Nonsense variant predicted to result in protein truncation or nonsense mediated decay in a gene for which loss-of-function is a known mechanism of disease; Not observed in large population cohorts (Lek et al., 2016); This variant is associated with the following publications: (PMID: 16922724, 25525159)